The following is an entry in ClinVar:

NM_002775.5(HTRA1):c.1408A>G (p.Met470Val)

Gene: HTRA1 (HtrA serine peptidase 1; plus strand). Cytogenetic location: 10q26.13.
Variant type: single nucleotide variant.
Coding change: c.1408A>G on transcript NM_002775.5 (MANE Select); coding-DNA position 1408, A replaced by G.
Protein change: p.Met470Val; replaces methionine 470 with valine.
Molecular consequence: missense variant.
Genome position (GRCh38, 1-based): chr10:122,514,324, A>G. VCF-style: chr10-122514324-A-G. GRCh37 (hg19) VCF-style: chr10-124273840-A-G.
Other names: short protein forms M470V.
Identifiers: ClinVar variation 2432661 (VCV002432661.4), dbSNP rs750089026, ClinGen allele CA5726172.

ClinVar aggregate classification (germline): Uncertain significance. Review status: criteria provided, multiple submitters, no conflicts (2 of 4 stars). 2 submissions from 2 submitters: Uncertain significance (2). Last evaluated 2025-10-05.

Allele frequency attached by ClinVar (database versions not stated): TOPMed below 0.00001; ExAC 0.00001; gnomAD exomes below 0.00001.
gnomAD v4.1: 1 of 1,613,740 alleles (0.000062%); highest among the groups gnomAD compares: Admixed American, 0.0017%; no homozygotes.

Submissions (2):

Labcorp Genetics (formerly Invitae), Labcorp
Classification: Uncertain significance. Last evaluated: 2025-10-05. Review status: criteria provided, single submitter. Criteria: Invitae Variant Classification Sherloc (09022015). Collection method: clinical testing. Allele origin: germline.
Comment: This sequence change replaces methionine, which is neutral and non-polar, with valine, which is neutral and non-polar, at codon 470 of the HTRA1 protein (p.Met470Val). This variant is not present in population databases (gnomAD no frequency). This variant has not been reported in the literature in individuals affected with HTRA1-related conditions. ClinVar contains an entry for this variant (Variation ID: 2432661). Invitae Evidence Modeling of protein sequence and biophysical properties (such as structural, functional, and spatial information, amino acid conservation, physicochemical variation, residue mobility, and thermodynamic stability) indicates that this missense variant is not expected to disrupt HTRA1 protein function with a negative predictive value of 95%. In summary, the available evidence is currently insufficient to determine the role of this variant in disease. Therefore, it has been classified as a Variant of Uncertain Significance.

Revvity Omics, Revvity
Classification: Uncertain significance. Last evaluated: 2022-05-18. Review status: criteria provided, single submitter. Criteria: ACMG Guidelines, 2015. Collection method: clinical testing. Allele origin: germline.